The following is an entry in ClinVar:

ClinVar aggregate classification (germline): Conflicting classifications of pathogenicity. Review status: criteria provided, conflicting classifications (1 of 4 stars). 5 submissions from 5 submitters: Uncertain significance (4); Likely benign (1). Last evaluated 2026-09-01.

Conditions:
Cardiovascular phenotype. Identifiers: MedGen CN230736.
TTN-related disorder. Also called: TTN-related condition; TTN-related disease; TTN-related disorders.

Allele frequency attached by ClinVar (database versions not stated): ExAC 0.00001; gnomAD exomes 0.00001 and 0.00002; gnomAD 0.00005; TOPMed 0.00009.
gnomAD v4.1: 20 of 1,607,130 alleles (0.0012%); highest among the groups gnomAD compares: Admixed American, 0.025%; no homozygotes.

Submissions (5):

PreventionGenetics, part of Exact Sciences
Classification: Uncertain significance for TTN-related condition. Last evaluated: 2026-09-01. Review status: criteria provided, single submitter. Criteria: ACMG Guidelines, 2015. Collection method: clinical testing. Allele origin: germline.
Comment: The TTN c.97480C>T variant is predicted to result in the amino acid substitution p.Arg32494Cys. To our knowledge, this variant has not been reported in the literature. This variant is reported in 0.012% of alleles in individuals of Latino descent in gnomAD. At this time, the clinical significance of this variant is uncertain due to the absence of conclusive functional and genetic evidence.

Blueprint Genetics
Classification: Likely benign. Last evaluated: 2021-09-30. Review status: criteria provided, single submitter. Criteria: ACMG Guidelines, 2015. Collection method: clinical testing. Allele origin: germline.

Eurofins Ntd Llc (ga)
Classification: Uncertain significance. Last evaluated: 2018-07-23. Review status: criteria provided, single submitter. Criteria: EGL ClinVar v180209 classification definitions. Collection method: clinical testing. Allele origin: germline. Observed: 1 variant allele, 1 heterozygote.

Laboratory for Molecular Medicine, Mass General Brigham Personalized Medicine
Classification: Uncertain significance. Last evaluated: 2014-07-25. Review status: criteria provided, single submitter. Criteria: LMM Criteria. Collection method: clinical testing. Allele origin: germline. Observed: 2 variant alleles.
Comment: The Arg29926Cys variant in TTN has not been previously reported in individuals w ith cardiomyopathy and was absent from large population studies. Computational p rediction tools and conservation analyses do not provide strong support for or a gainst an impact to the protein. In summary, the clinical significance of the Ar g29926Cys variant is uncertain.

Ambry Genetics
Classification: Uncertain significance for Cardiovascular phenotype. Last evaluated: 2013-07-02. Review status: criteria provided, single submitter. Criteria: Ambry Autosomal Dominant and X-Linked criteria (10/2015). Collection method: clinical testing. Allele origin: germline. Observed: 1 variant allele.
Comment: There is insufficient or conflicting evidence for classification of this alteration.

NM_001267550.2(TTN):c.97480C>T (p.Arg32494Cys)

Genes: TTN (titin; minus strand), TTN-AS1 (TTN antisense RNA 1; plus strand). Cytogenetic location: 2q31.2.
Variant type: single nucleotide variant.
Coding change: c.97480C>T on transcript NM_001267550.2 (MANE Select); coding-DNA position 97480, C replaced by T.
Protein change: p.Arg32494Cys; replaces arginine 32494 with cysteine.
Molecular consequence: missense variant. On other transcripts: non-coding transcript variant (1).
Genome position (GRCh38, 1-based): chr2:178,542,276, G>A on the plus strand (C>T on the coding strand, the complement: TTN is on the minus strand). VCF-style: chr2-178542276-G-A. GRCh37 (hg19) VCF-style: chr2-179407003-G-A.
Other names: c.92557C>T, p.Arg30853Cys (NM_001256850.1); c.70285C>T, p.Arg23429Cys (NM_003319.4); c.70660C>T, p.Arg23554Cys (NM_133432.3); c.70861C>T, p.Arg23621Cys (NM_133437.4); c.89776C>T, p.Arg29926Cys (NM_133378.4); short protein forms R29926C, R32494C, R23429C, R23554C, R23621C, R30853C.
Identifiers: ClinVar variation 165690 (VCV000165690.13), dbSNP rs727503539, ClinGen allele CA178397.
Genomic context (GRCh38, chr2:178,542,276, plus strand): 5'-ATTCAGAATCAGAGGTGGGGAGAGTGGTGGAAGGGCCTGTGGACTTACGGATGCTGCTGC[G>A]ACACTCTATGACCTCAGACTGCAAGTAAGAGCCAATCCCGAAGCGGTTTGTTGCAGCCAC-3'
Protein context (NP_001254479.2, residues 32484-32504): SYLQSEVIEC[Arg32494Cys]SSIRIPGPPE